The following is an entry in ClinVar:

NM_001110556.2(FLNA):c.6442C>T (p.Arg2148Cys)

Gene: FLNA (filamin A; minus strand). Cytogenetic location: Xq28.
Variant type: single nucleotide variant.
Coding change: c.6442C>T on transcript NM_001110556.2 (MANE Select); coding-DNA position 6442, C replaced by T.
Protein change: p.Arg2148Cys; replaces arginine 2148 with cysteine.
Molecular consequence: missense variant.
Genome position (GRCh38, 1-based): chrX:154,352,613, G>A on the plus strand (C>T on the coding strand, the complement: FLNA is on the minus strand). VCF-style: chrX-154352613-G-A. GRCh37 (hg19) VCF-style: chrX-153580981-G-A.
Other names: c.6418C>T, p.Arg2140Cys (NM_001456.4); c.6418C>T (NM_001456.3); short protein forms R2148C, R2140C.
Identifiers: ClinVar variation 2946502 (VCV002946502.4), dbSNP rs782022901, ClinGen allele CA10560086.

ClinVar aggregate classification (germline): Conflicting classifications of pathogenicity. Review status: criteria provided, conflicting classifications (1 of 4 stars). 2 submissions from 2 submitters: Uncertain significance (1); Benign (1). Last evaluated 2026-07-06.

Conditions:
Oto-palato-digital syndrome, type II (OPD2). Also called: Otopalatodigital Syndrome, Type II; Otopalatodigital Syndrome Type 2 (FLNA-OPD2); FACIOPALATOOSSEOUS SYNDROME; OPD II SYNDROME. Identifiers: Orphanet 669, Orphanet 90652, MedGen C1844696, MONDO:0010571, OMIM 304120.
Melnick-Needles syndrome (MNS). Also called: Melnick-Needles Syndrome (FLNA-MNS); MELNICK-NEEDLES OSTEODYSPLASTY; OSTEODYSPLASTY OF MELNICK AND NEEDLES. Identifiers: Orphanet 2484, MedGen C0025237, MONDO:0010650, OMIM 309350.
Heterotopia, periventricular, X-linked dominant (PVNH1). Also called: PERIVENTRICULAR NODULAR HETEROTOPIA 1; X-linked periventricular heterotopia; PERIVENTRICULAR NODULAR HETEROTOPIA 4; HETEROTOPIA, PERIVENTRICULAR, 1. Identifiers: Orphanet 2149, Orphanet 82004, MedGen C1848213, MONDO:0010233, OMIM 300049.
Frontometaphyseal dysplasia (FMD1). Identifiers: Orphanet 1826, MedGen C0265293, MONDO:0015942.
Familial thoracic aortic aneurysm and aortic dissection (TAAD). Also called: Thoracic aortic aneurysms and dissections. Identifiers: Orphanet 91387, MedGen C4707243, MONDO:0019625.

Allele frequency attached by ClinVar (database versions not stated): TOPMed 0.00001; ExAC 0.00001; gnomAD 0.00001; gnomAD exomes 0.00001.
gnomAD v4.1: 13 of 1,210,245 alleles (0.0011%); highest among the groups gnomAD compares: South Asian, 0.0035%; no homozygotes.

Submissions (2):

Ambry Genetics
Classification: Uncertain significance for Familial thoracic aortic aneurysm and aortic dissection. Last evaluated: 2026-07-06. Review status: criteria provided, single submitter. Criteria: Ambry Variant Classification Scheme 2023. Collection method: clinical testing. Allele origin: germline.
Comment: The p.R2140C variant (also known as c.6418C>T), located in coding exon 38 of the FLNA gene, results from a C to T substitution at nucleotide position 6418. The arginine at codon 2140 is replaced by cysteine, an amino acid with highly dissimilar properties. This amino acid position is well conserved in available vertebrate species. In addition, the in silico prediction for this alteration is inconclusive. Based on data from gnomAD, the T allele has an overall frequency of 0.0017% (3/181089) total alleles studied, with 1 hemizygote(s) observed. The highest observed frequency was 0.0052% (1/19061) of South Asian alleles. Based on the available evidence, the clinical significance of this variant remains unclear.

Labcorp Genetics (formerly Invitae), Labcorp
Classification: Benign for Oto-palato-digital syndrome, type II; Heterotopia, periventricular, X-linked dominant; Frontometaphyseal dysplasia; Melnick-Needles syndrome. Last evaluated: 2024-09-17. Review status: criteria provided, single submitter. Criteria: Invitae Variant Classification Sherloc (09022015). Collection method: clinical testing. Allele origin: germline.